The following is an entry in ClinVar:

ClinVar aggregate classification (germline): Conflicting classifications of pathogenicity. Review status: criteria provided, conflicting classifications (1 of 4 stars). 2 submissions from 2 submitters: Uncertain significance (1); Likely benign (1). Last evaluated 2024-09-08.

Conditions:
Immunodeficiency due to CD25 deficiency. Also called: IMMUNODEFICIENCY 41 WITH LYMPHOPROLIFERATION AND AUTOIMMUNITY; CD25 DEFICIENCY; IL2RA DEFICIENCY. Identifiers: Orphanet 169100, MedGen C1853392, MONDO:0011664, OMIM 606367.

Allele frequency attached by ClinVar (database versions not stated): gnomAD exomes 0.00001.
gnomAD v4.1: 4 of 1,614,068 alleles (0.00025%); highest among the groups gnomAD compares: East Asian, 0.0045%; no homozygotes.

Submissions (2):

Ambry Genetics
Classification: Likely benign. Last evaluated: 2024-09-08. Review status: criteria provided, single submitter. Criteria: Ambry Variant Classification Scheme 2023. Collection method: clinical testing. Allele origin: germline.

Labcorp Genetics (formerly Invitae), Labcorp
Classification: Uncertain significance for Immunodeficiency due to CD25 deficiency. Last evaluated: 2021-04-08. Review status: criteria provided, single submitter. Criteria: Invitae Variant Classification Sherloc (09022015). Collection method: clinical testing. Allele origin: germline.
Comment: This variant has not been reported in the literature in individuals with IL2RA-related conditions. This variant is not present in population databases (ExAC no frequency). This sequence change replaces threonine with isoleucine at codon 185 of the IL2RA protein (p.Thr185Ile). The threonine residue is weakly conserved and there is a moderate physicochemical difference between threonine and isoleucine. In summary, the available evidence is currently insufficient to determine the role of this variant in disease. Therefore, it has been classified as a Variant of Uncertain Significance. Algorithms developed to predict the effect of missense changes on protein structure and function output the following: SIFT: "Tolerated"; PolyPhen-2: "Benign"; Align-GVGD: "Class C0". The isoleucine amino acid residue is found in multiple mammalian species, suggesting that this missense change does not adversely affect protein function. These predictions have not been confirmed by published functional studies and their clinical significance is uncertain.

NM_000417.3(IL2RA):c.554C>T (p.Thr185Ile)

Gene: IL2RA (interleukin 2 receptor subunit alpha; minus strand). Cytogenetic location: 10p15.1.
Variant type: single nucleotide variant.
Coding change: c.554C>T on transcript NM_000417.3 (MANE Select); coding-DNA position 554, C replaced by T.
Protein change: p.Thr185Ile; replaces threonine 185 with isoleucine.
Molecular consequence: missense variant. On other transcripts: intron variant (2).
Genome position (GRCh38, 1-based): chr10:6,021,507, G>A on the plus strand (C>T on the coding strand, the complement: IL2RA is on the minus strand). VCF-style: chr10-6021507-G-A. GRCh37 (hg19) VCF-style: chr10-6063470-G-A.
Other names: c.554C>T (NM_000417.2); c.368-2008C>T (NM_001308243.2); c.368-1566C>T (NM_001308242.2); short protein forms T185I.
Identifiers: ClinVar variation 1510192 (VCV001510192.9), dbSNP rs2132853580, ClinGen allele CA375926359.